The following is an entry in ClinVar:

NM_012471.3(TRPC5):c.1425T>C (p.Thr475=)

Gene: TRPC5 (transient receptor potential cation channel subfamily C member 5; minus strand). Cytogenetic location: Xq23.
Variant type: single nucleotide variant.
Coding change: c.1425T>C on transcript NM_012471.3 (MANE Select); coding-DNA position 1425, T replaced by C.
Protein change: p.Thr475=; no amino-acid change (threonine 475 retained).
Molecular consequence: synonymous variant.
Genome position (GRCh38, 1-based): chrX:111,847,389, A>G on the plus strand (T>C on the coding strand, the complement: TRPC5 is on the minus strand). VCF-style: chrX-111847389-A-G. GRCh37 (hg19) VCF-style: chrX-111090617-A-G.
Identifiers: ClinVar variation 3349150 (VCV003349150.1).
Genomic context (GRCh38, chrX:111,847,389, plus strand): 5'-GGATATGAGACGCAACGAACTTAAAATGTTGGATATTGCGAAGAGTGCTTCCGCAATCAG[A>G]GTCGGGTGCCACATTTCCCATTCCTCCCTTGGACGAGAACCATTATACTGAAAGAAACAA-3'
Protein context (NP_036603.1, residues 465-485): PREEWEMWHP[Thr475=]LIAEALFAIS

ClinVar aggregate classification (germline): Likely benign (0 of 4 stars; one submission).

Conditions:
TRPC5-related disorder. Also called: TRPC5-related condition.

Submission:

PreventionGenetics, part of Exact Sciences
Classification: Likely benign for TRPC5-related condition. Last evaluated: 2024-01-02. Review status: no assertion criteria provided. Collection method: clinical testing. Allele origin: germline.
Comment: This variant is classified as likely benign based on ACMG/AMP sequence variant interpretation guidelines (Richards et al. 2015 PMID: 25741868, with internal and published modifications).